The following is an entry in ClinVar:

ClinVar aggregate classification (germline): Uncertain significance (1 of 4 stars; one submission).

Conditions:
Hereditary cancer-predisposing syndrome. Also called: Neoplastic Syndromes, Hereditary; Tumor predisposition; Hereditary neoplastic syndrome; Hereditary Cancer Syndrome. Identifiers: Orphanet 140162, MedGen C0027672, MeSH D009386, MONDO:0015356.

Submission:

Ambry Genetics
Classification: Uncertain significance for Hereditary cancer-predisposing syndrome. Last evaluated: 2026-07-06. Review status: criteria provided, single submitter. Criteria: Ambry Variant Classification Scheme 2023. Collection method: clinical testing. Allele origin: germline.
Comment: The p.P134S variant (also known as c.400C>T), located in coding exon 3 of the SUFU gene, results from a C to T substitution at nucleotide position 400. The proline at codon 134 is replaced by serine, an amino acid with similar properties. This amino acid position is conserved. In addition, this alteration is predicted to be deleterious by in silico analysis. Based on the available evidence, the clinical significance of this variant remains unclear.

NM_016169.4(SUFU):c.400C>T (p.Pro134Ser)

Gene: SUFU (SUFU negative regulator of hedgehog signaling; plus strand). Cytogenetic location: 10q24.32.
Variant type: single nucleotide variant.
Coding change: c.400C>T on transcript NM_016169.4 (MANE Select); coding-DNA position 400, C replaced by T.
Protein change: p.Pro134Ser; replaces proline 134 with serine.
Molecular consequence: missense variant.
Genome position (GRCh38, 1-based): chr10:102,550,052, C>T. VCF-style: chr10-102550052-C-T. GRCh37 (hg19) VCF-style: chr10-104309809-C-T.
Other names: c.400C>T, p.Pro134Ser (NM_001178133.2); short protein forms P134S.
Identifiers: ClinVar variation 5030377 (VCV005030377.1).
Genomic context (GRCh38, chr10:102,550,052, plus strand): 5'-AGTGGTTTTGGCTTTGAGTTGACCTTTCGTCTGAAGAGAGAAACTGGGGAGTCTGCCCCA[C>T]CAACATGGCCCGCAGAGTTAATGCAGGGCTTGGCACGATACGTGTTCCAGTCAGGTAGGA-3'
Protein context (NP_057253.2, residues 124-144): LKRETGESAP[Pro134Ser]TWPAELMQGL